The following is an entry in ClinVar:

NM_001042492.3(NF1):c.380G>A (p.Gly127Glu)

Gene: NF1 (neurofibromin 1; plus strand). Cytogenetic location: 17q11.2.
Variant type: single nucleotide variant.
Coding change: c.380G>A on transcript NM_001042492.3 (MANE Select); coding-DNA position 380, G replaced by A.
Protein change: p.Gly127Glu; replaces glycine 127 with glutamic acid.
Molecular consequence: missense variant.
Genome position (GRCh38, 1-based): chr17:31,163,277, G>A. VCF-style: chr17-31163277-G-A. GRCh37 (hg19) VCF-style: chr17-29490295-G-A.
Other names: c.380G>A, p.Gly127Glu (NM_000267.4, NM_001128147.3); short protein forms G127E.
Identifiers: ClinVar variation 2862900 (VCV002862900.3), dbSNP rs2143672129, ClinGen allele CA398981826.

ClinVar aggregate classification (germline): Uncertain significance (1 of 4 stars; one submission).

Conditions:
Neurofibromatosis, type 1 (NF1). Also called: Neurofibromatosis, type I; NEUROFIBROMATOSIS, TYPE I, SOMATIC; Peripheral type neurofibromatosis; VON RECKLINGHAUSEN DISEASE. Identifiers: Orphanet 636, MedGen C0027831, MONDO:0018975, OMIM 162200. Disease mechanism: loss of function.

Submission:

Labcorp Genetics (formerly Invitae), Labcorp
Classification: Uncertain significance for Neurofibromatosis, type 1. Last evaluated: 2025-04-29. Review status: criteria provided, single submitter. Criteria: Invitae Variant Classification Sherloc (09022015). Collection method: clinical testing. Allele origin: germline.
Comment: This sequence change replaces glycine, which is neutral and non-polar, with glutamic acid, which is acidic and polar, at codon 127 of the NF1 protein (p.Gly127Glu). This variant is not present in population databases (gnomAD no frequency). This variant has not been reported in the literature in individuals affected with NF1-related conditions. ClinVar contains an entry for this variant (Variation ID: 2862900). Invitae Evidence Modeling of protein sequence and biophysical properties (such as structural, functional, and spatial information, amino acid conservation, physicochemical variation, residue mobility, and thermodynamic stability) indicates that this missense variant is expected to disrupt NF1 protein function with a positive predictive value of 95%. In summary, the available evidence is currently insufficient to determine the role of this variant in disease. Therefore, it has been classified as a Variant of Uncertain Significance.